The following is an entry in ClinVar:

NM_003680.4(YARS1):c.586G>A (p.Glu196Lys)

Gene: YARS1 (tyrosyl-tRNA synthetase 1; minus strand). Cytogenetic location: 1p35.1.
Variant type: single nucleotide variant.
Coding change: c.586G>A on transcript NM_003680.4 (MANE Select); coding-DNA position 586, G replaced by A.
Protein change: p.Glu196Lys; replaces glutamic acid 196 with lysine.
Molecular consequence: missense variant.
Genome position (GRCh38, 1-based): chr1:32,797,768, C>T on the plus strand (G>A on the coding strand, the complement: YARS1 is on the minus strand). VCF-style: chr1-32797768-C-T. GRCh37 (hg19) VCF-style: chr1-33263369-C-T.
Other names: short protein forms E196K.
Identifiers: ClinVar variation 6189 (VCV000006189.16), dbSNP rs121908834, ClinGen allele CA118054.
Genomic context (GRCh38, chr1:32,797,768, plus strand): 5'-ACAGCTGCATACCTCTGAGGTGCAAGTGAAAAAAGACAGGAAAGCAGACACTCACCTTCT[C>T]TGCAAAGGTGAAAATCTTTCTCTGATCAATGCCTCCAAATTGGGCATCTACTTTTAAATA-3'
Protein context (NP_003671.1, residues 186-206): IDQRKIFTFA[Glu196Lys]KYLPALGYSK

ClinVar aggregate classification (germline): Pathogenic/Likely pathogenic. Review status: criteria provided, multiple submitters, no conflicts (2 of 4 stars). 5 submissions from 5 submitters: Pathogenic (2); Likely pathogenic (1). 2 of the submissions do not count toward it. Last evaluated 2025-05-05.

Conditions:
Neurologic, endocrine, and pancreatic disease, multisystem, infantile-onset 2 (IMNEPD2). Also called: YARS1 Deficiency. Identifiers: MedGen C5543623, MONDO:0030375, OMIM 619418.
Charcot-Marie-Tooth disease. Also called: Charcot-Marie-Tooth Neuropathy; Charcot-Marie-Tooth Hereditary Neuropathy. Identifiers: Orphanet 166, MedGen C0007959, MONDO:0015626.
Charcot-Marie-Tooth disease dominant intermediate C (CMTDIC). Also called: CHARCOT-MARIE-TOOTH NEUROPATHY, DOMINANT INTERMEDIATE C. Identifiers: Orphanet 100045, MedGen C1842237, MONDO:0012012, OMIM 608323.

Submissions (5):

Department of Human Genetics, Hannover Medical School
Classification: Likely pathogenic for Charcot-Marie-Tooth disease dominant intermediate C. Last evaluated: 2025-05-05. Review status: criteria provided, single submitter. Criteria: ACMG Guidelines, 2015. Collection method: clinical testing. Allele origin: germline. Inheritance: Autosomal dominant inheritance. Affected: yes.
Comment: ACMG: PS3_Supporting, PM2_Supporting, PM5_Supporting, PP1_Strong

Institute of Medical Genetics and Applied Genomics, University Hospital Tübingen
Classification: Pathogenic for Neurologic, endocrine, and pancreatic disease, multisystem, infantile-onset 2. Last evaluated: 2023-09-15. Review status: criteria provided, single submitter. Criteria: ACMG Guidelines, 2015. Collection method: clinical testing. Allele origin: germline. Inheritance: Autosomal dominant inheritance. Affected: yes.

Labcorp Genetics (formerly Invitae), Labcorp
Classification: Pathogenic for Charcot-Marie-Tooth disease dominant intermediate C. Last evaluated: 2023-03-13. Review status: criteria provided, single submitter. Criteria: Invitae Variant Classification Sherloc (09022015). Collection method: clinical testing. Allele origin: germline.
Comment: This variant is not present in population databases (gnomAD no frequency). This missense change has been observed in individual(s) with dominant intermediate Charcot-Marie-Tooth disease, type C (PMID: 14606043, 16429158). It has also been observed to segregate with disease in related individuals. This sequence change replaces glutamic acid, which is acidic and polar, with lysine, which is basic and polar, at codon 196 of the YARS protein (p.Glu196Lys). For these reasons, this variant has been classified as Pathogenic. This variant disrupts the p.Glu196 amino acid residue in YARS. Other variant(s) that disrupt this residue have been determined to be pathogenic (PMID: 26257172). This suggests that this residue is clinically significant, and that variants that disrupt this residue are likely to be disease-causing. Experimental studies have shown that this missense change affects YARS function (PMID: 19561293, 26138142, 26975778). Advanced modeling of protein sequence and biophysical properties (such as structural, functional, and spatial information, amino acid conservation, physicochemical variation, residue mobility, and thermodynamic stability) performed at Invitae indicates that this missense variant is not expected to disrupt YARS protein function. ClinVar contains an entry for this variant (Variation ID: 6189).

OMIM
Classification: Pathogenic for CHARCOT-MARIE-TOOTH DISEASE, DOMINANT INTERMEDIATE C. Last evaluated: 2006-02-01. Review status: no assertion criteria provided. Collection method: literature only. Allele origin: germline. Not counted in ClinVar's aggregate classification.

Inherited Neuropathy Consortium
Classification: Uncertain significance for Charcot-Marie-Tooth disease. Review status: no assertion criteria provided. Collection method: literature only. Allele origin: germline. Affected: yes. Not counted in ClinVar's aggregate classification.

Literature cited by the submitters: PubMed 14606043 (cited by Labcorp Genetics (formerly Invitae), Labcorp and OMIM); PubMed 16429158 (cited by 3 submitters); PubMed 26257172 (cited by Labcorp Genetics (formerly Invitae), Labcorp); PubMed 19561293 (cited by Labcorp Genetics (formerly Invitae), Labcorp); PubMed 26138142 (cited by Labcorp Genetics (formerly Invitae), Labcorp); PubMed 26975778 (cited by Labcorp Genetics (formerly Invitae), Labcorp).